The following is an entry in ClinVar:

NM_001354712.2(THRB):c.470C>A (p.Thr157Lys)

Gene: THRB (thyroid hormone receptor beta; minus strand). Cytogenetic location: 3p24.2.
Variant type: single nucleotide variant.
Coding change: c.470C>A on transcript NM_001354712.2 (MANE Select); coding-DNA position 470, C replaced by A.
Protein change: p.Thr157Lys; replaces threonine 157 with lysine.
Molecular consequence: missense variant.
Genome position (GRCh38, 1-based): chr3:24,146,737, G>T on the plus strand (C>A on the coding strand, the complement: THRB is on the minus strand). VCF-style: chr3-24146737-G-T. GRCh37 (hg19) VCF-style: chr3-24188228-G-T.
Other names: c.470C>A, p.Thr157Lys (NM_000461.5, NM_001128176.3, NM_001128177.2 and 12 more transcripts); c.377C>A, p.Thr126Lys (NM_001354714.2, NM_001354715.2); short protein forms T126K, T157K.
Identifiers: ClinVar variation 3252534 (VCV003252534.2), dbSNP rs2472325228.

ClinVar aggregate classification (germline): Uncertain significance (1 of 4 stars; one submission).

Submission:

GeneDx
Classification: Uncertain significance. Last evaluated: 2025-10-18. Review status: criteria provided, single submitter. Criteria: GeneDx Variant Classification Process June 2021. Collection method: clinical testing. Allele origin: germline.
Comment: Not observed at significant frequency in large population cohorts (gnomAD); In silico analysis supports that this missense variant has a deleterious effect on protein structure/function; Has not been previously published as pathogenic or benign to our knowledge